The following is an entry in ClinVar:

ClinVar aggregate classification (germline): Pathogenic (1 of 4 stars; one submission).

Allele frequency attached by ClinVar (database versions not stated): gnomAD exomes below 0.00001.

Submission:

GeneDx
Classification: Pathogenic. Last evaluated: 2018-05-15. Review status: criteria provided, single submitter. Criteria: GeneDx Variant Classification (06012015). Collection method: clinical testing. Allele origin: germline. Affected: yes.
Comment: The c.1068dupT variant in the NALCN gene has not been reported previously as a pathogenic variant nor as a benign variant, to our knowledge. The c.1068dupT variant causes a frameshift starting with codon Glycine 357, changes this amino acid to a Tryptophan residue, and creates a premature Stop codon at position 47of the new reading frame, denoted p.Gly357TrpfsX47. This variant is predicted to cause loss of normal protein function either through protein truncation or nonsense-mediated mRNA decay. The c.1068dupT variant is not observed at a significant frequency in large population cohorts (Lek et al., 2016). We interpret c.1068dupT as a pathogenic variant.

NM_052867.4(NALCN):c.1068dup (p.Gly357fs)

Gene: NALCN (sodium leak channel, non-selective; minus strand). Cytogenetic location: 13q33.1.
Variant type: Duplication.
Coding change: c.1068dup on transcript NM_052867.4 (MANE Select); coding-DNA position 1068, one base duplicated (T; older notation c.1068dupT).
Protein change: p.Gly357fs; shifts the reading frame from glycine 357.
Molecular consequence: frameshift variant. On other transcripts: intron variant (2).
Genome position (GRCh38, 1-based): chr13:101,283,999, A duplicated on the plus strand (T on the coding strand, the reverse complement: NALCN is on the minus strand). VCF-style (leftmost placement, unchanged base first): chr13-101283998-C-CA. GRCh37 (hg19) VCF-style: chr13-101936349-C-CA.
Other names: c.1068dup, p.Gly357fs (NM_001350748.2, NM_001350749.2); c.1047+7991dup (NM_001350751.2, NM_001350750.2); short protein forms G357fs.
Identifiers: ClinVar variation 545938 (VCV000545938.2), dbSNP rs1255534617, ClinGen allele CA612039206.